The following is an entry in ClinVar:

NM_000257.4(MYH7):c.4559G>T (p.Gly1520Val)

Genes: MHRT (myosin heavy chain associated RNA transcript; plus strand), MYH7 (myosin heavy chain 7; minus strand). Cytogenetic location: 14q11.2.
Variant type: single nucleotide variant.
Coding change: c.4559G>T on transcript NM_000257.4 (MANE Select); coding-DNA position 4559, G replaced by T.
Protein change: p.Gly1520Val; replaces glycine 1520 with valine.
Molecular consequence: missense variant. On other transcripts: non-coding transcript variant (1).
Genome position (GRCh38, 1-based): chr14:23,416,953, C>A on the plus strand (G>T on the coding strand, the complement: MYH7 is on the minus strand). VCF-style: chr14-23416953-C-A. GRCh37 (hg19) VCF-style: chr14-23886162-C-A.
Other names: c.4559G>T, p.Gly1520Val (NM_001407004.1); short protein forms G1520V.
Identifiers: ClinVar variation 3376761 (VCV003376761.1).

ClinVar aggregate classification (germline): Uncertain significance (1 of 4 stars; one submission).

Conditions:
Hypertrophic cardiomyopathy 1 (CMH1). Also called: Familial hypertrophic cardiomyopathy 1; MYH7-Related Familial Hypertrophic Cardiomyopathy. Identifiers: MedGen C3495498, MONDO:0008647, OMIM 192600.

Submission:

Victorian Clinical Genetics Services, Murdoch Childrens Research Institute
Classification: Uncertain significance for Hypertrophic cardiomyopathy 1. Last evaluated: 2023-07-16. Review status: criteria provided, single submitter. Criteria: ACMG Guidelines, 2015. Collection method: clinical testing. Allele origin: germline. Inheritance: Autosomal dominant inheritance. Affected: yes.
Comment: Based on the classification scheme VCGS_Germline_v1.3.4, this variant is classified as VUS-3B. Following criteria are met: 0105 - The mechanism of disease for this gene is not clearly established; however, missense variants have been proposed to act in a dominant negative manner (PMID: 24714796). (I) 0108 - This gene is associated with both recessive and dominant disease. Pathogenic variants in this gene are usually heterozygous; however, a recessive inheritance pattern has been observed in severe cases (OMIM). (I) 0112 - The condition associated with this gene has incomplete penetrance (PMID: 29300372). (I) 0200 - Variant is predicted to result in a missense amino acid change from glycine to valine. (I) 0251 - This variant is heterozygous. (I) 0301 - Variant is absent from gnomAD (both v2 and v3). (SP) 0309 - An alternative amino acid change at the same position has been observed in gnomAD (v2 and v3) (p.(Gly1520Arg): 5 heterozygotes, 0 homozygotes). (I) 0501 - Missense variant consistently predicted to be damaging by multiple in silico tools or highly conserved with a major amino acid change. (SP) 0600 - Variant is located in the annotated myosin tail 1 domain (DECIPHER). (I) 0710 - Another missense variant comparable to the one identified in this case has inconclusive previous evidence for pathogenicity. The p.(Gly1520Arg) variant has been classified as a VUS by Invitae (Clinvar). It has also been reported in one individual with sporadic dilated cardiomyopathy (DCM) and proposed by the authors as a having potential risk of sporadic DCM (PMID: 35284542). (I) 0809 - Previous evidence of pathogenicity for this variant is inconclusive. This variant has been observed in one individual with hypertrophic cardiomyopathy; however, the classification of the variant is unclear (PMID: 31941943). (I) 0905 - No published segregation evidence has been identified for this variant. (I) 1007 - No published functional evidence has been identified for this variant. (I) 1208 - Inheritance information for this variant is not currently available in this individual. (I) Legend: (SP) - Supporting pathogenic, (I) - Information, (SB) - Supporting benign

Literature cited by the submitters: PubMed 24714796; PubMed 29300372; PubMed 31941943; PubMed 35284542.